The following is an entry in ClinVar:

NM_000812.4(GABRB1):c.80+24_80+25del

Gene: GABRB1 (gamma-aminobutyric acid type A receptor subunit beta1; plus strand). Cytogenetic location: 4p12.
Variant type: Deletion.
Coding change: c.80+24_80+25del on transcript NM_000812.4 (MANE Select); bases 24 to 25 of the intron after coding-DNA position 80, 2 bases deleted (GC; older notation c.80+24_80+25delGC).
Molecular consequence: intron variant.
Genome position (GRCh38, 1-based): chr4:47,031,755-47,031,756, GC deleted; deleting any 2 consecutive bases within chr4:47,031,754-47,031,756 gives the same sequence; the c. name uses the placement nearest the transcript's 3' end. VCF-style (leftmost placement, unchanged base first): chr4-47031753-TCG-T. GRCh37 (hg19) VCF-style: chr4-47033770-TCG-T.
Identifiers: ClinVar variation 1285290 (VCV001285290.4), dbSNP rs72416056, ClinGen allele CA2907404.

ClinVar aggregate classification (germline): Benign. Review status: criteria provided, multiple submitters, no conflicts (2 of 4 stars). 2 submissions from 2 submitters: Benign (2). Last evaluated 2024-07-15.

Conditions:
Developmental and epileptic encephalopathy, 45 (DEE45). Also called: Epileptic encephalopathy, early infantile, 45. Identifiers: MedGen C4310691, MONDO:0014942, OMIM 617153.

Submissions (2):

Unidad de Genómica Garrahan, Hospital de Pediatría Garrahan
Classification: Benign. Last evaluated: 2024-07-15. Review status: criteria provided, single submitter. Criteria: ACMG Guidelines, 2015. Collection method: clinical testing. Allele origin: germline. Affected: no. Observed: 40 variant alleles.
Comment: This variant is classified as Benign based on local population frequency. This variant was detected in 43% of patients studied in a panel designed for Epileptic and Developmental Encephalopathy and Progressive Myoclonus Epilepsy. Number of patients: 40. Only high quality variants are reported.

Genome-Nilou Lab
Classification: Benign for Developmental and epileptic encephalopathy, 45. Last evaluated: 2021-08-10. Review status: criteria provided, single submitter. Criteria: ACMG Guidelines, 2015. Collection method: clinical testing. Allele origin: germline. Affected: no.